The following is an entry in ClinVar:

NM_001854.4(COL11A1):c.1338_1346del (p.446PAG[1])

Gene: COL11A1 (collagen type XI alpha 1 chain; minus strand). Cytogenetic location: 1p21.1.
Variant type: Deletion.
Coding change: c.1338_1346del on transcript NM_001854.4 (MANE Select); coding-DNA positions 1338 to 1346, 9 bases deleted (AGCAGGACC; older notation c.1338_1346delAGCAGGACC).
Protein change: p.446PAG[1].
Molecular consequence: inframe deletion. On other transcripts: inframe indel (1), non-coding transcript variant (1).
Genome position (GRCh38, 1-based): chr1:103,018,822-103,018,830, GGTCCTGCT deleted on the plus strand (AGCAGGACC on the coding strand, the reverse complement: COL11A1 is on the minus strand); deleting any 9 consecutive bases within chr1:103,018,822-103,018,837 gives the same sequence; the c. name uses the placement nearest the transcript's 3' end. VCF-style (leftmost placement, unchanged base first): chr1-103018821-AGGTCCTGCT-A. GRCh37 (hg19) VCF-style: chr1-103484377-AGGTCCTGCT-A.
Other names: c.983_991delCAGGACCAG, p.Pro333_Gly335del (NM_001168249.1); c.1221_1229del, p.407PAG[1] (NM_001190709.2); c.1374_1382del, p.458PAG[1] (NM_080629.3); c.990_998del, p.330PAG[1] (NM_080630.4).
Identifiers: ClinVar variation 2816319 (VCV002816319.3), dbSNP rs2525533929, ClinGen allele CA2739275166.
Genomic context (GRCh38, chr1:103,018,821, plus strand): 5'-AAATCTTATATATGATTACTTTAAATAGACAAAAATAATCTTAAAACATTTACATACTGC[AGGTCCTGCT>A]GGTCCTGGTGGTCCTTCGACAAGCATACCCTATAACAGGAAAAGAGAACATCTCTACCAG-3'

ClinVar aggregate classification (germline): Uncertain significance (1 of 4 stars; one submission).

Submission:

Labcorp Genetics (formerly Invitae), Labcorp
Classification: Uncertain significance. Last evaluated: 2022-11-24. Review status: criteria provided, single submitter. Criteria: Invitae Variant Classification Sherloc (09022015). Collection method: clinical testing. Allele origin: germline.
Comment: This variant, c.1338_1346del, results in the deletion of 3 amino acid(s) of the COL11A1 protein (p.Pro449_Gly451del), but otherwise preserves the integrity of the reading frame. This variant is not present in population databases (gnomAD no frequency). This variant has not been reported in the literature in individuals affected with COL11A1-related conditions. Experimental studies and prediction algorithms are not available or were not evaluated, and the functional significance of this variant is currently unknown. Algorithms developed to predict the effect of sequence changes on RNA splicing suggest that this variant may disrupt the consensus splice site. In summary, the available evidence is currently insufficient to determine the role of this variant in disease. Therefore, it has been classified as a Variant of Uncertain Significance.